The following is an entry in ClinVar:

ClinVar aggregate classification (germline): Uncertain significance (1 of 4 stars; one submission).

Submission:

Labcorp Genetics (formerly Invitae), Labcorp
Classification: Uncertain significance. Last evaluated: 2024-02-17. Review status: criteria provided, single submitter. Criteria: Invitae Variant Classification Sherloc (09022015). Collection method: clinical testing. Allele origin: germline.
Comment: This sequence change replaces glutamic acid, which is acidic and polar, with aspartic acid, which is acidic and polar, at codon 294 of the COL4A2 protein (p.Glu294Asp). This variant is not present in population databases (gnomAD no frequency). This variant has not been reported in the literature in individuals affected with COL4A2-related conditions. ClinVar contains an entry for this variant (Variation ID: 1368202). Advanced modeling of protein sequence and biophysical properties (such as structural, functional, and spatial information, amino acid conservation, physicochemical variation, residue mobility, and thermodynamic stability) performed at Invitae indicates that this missense variant is not expected to disrupt COL4A2 protein function with a negative predictive value of 95%. In summary, the available evidence is currently insufficient to determine the role of this variant in disease. Therefore, it has been classified as a Variant of Uncertain Significance.

NM_001846.4(COL4A2):c.882A>T (p.Glu294Asp)

Gene: COL4A2 (collagen type IV alpha 2 chain; plus strand). Cytogenetic location: 13q34.
Variant type: single nucleotide variant.
Coding change: c.882A>T on transcript NM_001846.4 (MANE Select); coding-DNA position 882, A replaced by T.
Protein change: p.Glu294Asp; replaces glutamic acid 294 with aspartic acid.
Molecular consequence: missense variant.
Genome position (GRCh38, 1-based): chr13:110,438,638, A>T. VCF-style: chr13-110438638-A-T. GRCh37 (hg19) VCF-style: chr13-111090985-A-T.
Other names: short protein forms E294D.
Identifiers: ClinVar variation 1368202 (VCV001368202.8), dbSNP rs2139467210, ClinGen allele CA388732035.